The following is an entry in ClinVar:

ClinVar aggregate classification (germline): Likely pathogenic (1 of 4 stars; one submission).

Conditions:
Cardiovascular phenotype. Identifiers: MedGen CN230736.

Submission:

Ambry Genetics
Classification: Likely pathogenic for Cardiovascular phenotype. Last evaluated: 2019-09-20. Review status: criteria provided, single submitter. Criteria: Ambry Variant Classification Scheme 2023. Collection method: clinical testing. Allele origin: germline.
Comment: The c.49043_49044delAA variant, located in coding exon 153 of the TTN gene, results from a deletion of two nucleotides at nucleotide positions 49043 to 49044, causing a translational frameshift with a predicted alternate stop codon (p.K16348Sfs*19). This exon is located in the A-band region of the N2-B isoform of the titin protein and is constitutively expressed in TTN transcripts (percent spliced in or PSI 100%). This alteration is expected to result in loss of function by premature protein truncation or nonsense-mediated mRNA decay. While truncating variants in TTN are present in 1-3% of the general population, truncating variants in the A-band are the most common cause of dilated cardiomyopathy (DCM) (Herman DS et al. N. Engl. J. Med., 2012 Feb;366:619-28; Roberts AM et al. Sci Transl Med, 2015 Jan;7:270ra6). TTN truncating variants encoded in constitutive exons (PSI >90%) have been found to be significantly associated with DCM regardless of their position in titin (Schafer S et al. Nat. Genet., 2017 01;49:46-53). As such, this alteration is classified as likely pathogenic.

NM_001267550.2(TTN):c.76238_76239del (p.Lys25413fs)

Genes: TTN (titin; minus strand), TTN-AS1 (TTN antisense RNA 1; plus strand). Cytogenetic location: 2q31.2.
Variant type: Deletion.
Coding change: c.76238_76239del on transcript NM_001267550.2 (MANE Select); coding-DNA positions 76238 to 76239, 2 bases deleted (AA; older notation c.76238_76239delAA).
Protein change: p.Lys25413fs; shifts the reading frame from lysine 25413.
Molecular consequence: frameshift variant.
Genome position (GRCh38, 1-based): chr2:178,569,893-178,569,894, TT deleted on the plus strand (AA on the coding strand, the reverse complement: TTN is on the minus strand); deleting any 2 consecutive bases within chr2:178,569,893-178,569,895 gives the same sequence; the c. name uses the placement nearest the transcript's 3' end. VCF-style (leftmost placement, unchanged base first): chr2-178569892-CTT-C. GRCh37 (hg19) VCF-style: chr2-179434619-CTT-C.
Other names: c.71315_71316del, p.Lys23772fs (NM_001256850.1); c.49043_49044del, p.Lys16348fs (NM_003319.4); c.68534_68535del, p.Lys22845fs (NM_133378.4); c.49418_49419del, p.Lys16473fs (NM_133432.3); c.49619_49620del, p.Lys16540fs (NM_133437.4); c.49043_49044delAA (NM_003319.4); short protein forms K22845fs, K23772fs, K16348fs, K16540fs, K16473fs, K25413fs.
Identifiers: ClinVar variation 1744002 (VCV001744002.2), dbSNP rs2468425787, ClinGen allele CA2580064852.
Genomic context (GRCh38, chr2:178,569,892, plus strand): 5'-CACCATCATATATTGGTTTGCTCCAAGAAAGGAATACTGAAGATCTGGTTATGTCTATGA[CTT>C]TGGGGTTGTTTGGGGGTCCTGGTTTATAAATAGGATCACAAGCCTTTTGGTAAGCAGAAG-3'